The following is an entry in ClinVar:

ClinVar aggregate classification (germline): Pathogenic. Review status: criteria provided, multiple submitters, no conflicts (2 of 4 stars). 3 submissions from 3 submitters: Pathogenic (2). 1 of the submissions does not count toward it. Last evaluated 2025-03-12.

Conditions:
Retinitis pigmentosa (RP). Identifiers: Orphanet 791, MedGen C0035334, MeSH D012174, MONDO:0019200, OMIM 268000. Inheritance: Autosomal dominant, autosomal recessive and X linked inheritance.
Metaphyseal chondrodysplasia-retinitis pigmentosa syndrome. Also called: Retinitis pigmentosa with or without skeletal anomalies. Identifiers: Orphanet 166035, MedGen C1855188, MONDO:0009598, OMIM 250410.

Allele frequency attached by ClinVar (database versions not stated): gnomAD exomes below 0.00001; gnomAD 0.00003.
gnomAD v4.1: 5 of 1,574,490 alleles (0.00032%); highest among the groups gnomAD compares: Non-Finnish European, 0.00043%; no homozygotes.

Submissions (3):

Women's Health and Genetics/Laboratory Corporation of America, LabCorp
Classification: Pathogenic for Retinitis pigmentosa. Last evaluated: 2025-03-12. Review status: criteria provided, single submitter. Criteria: LabCorp Variant Classification Summary - May 2015. Collection method: clinical testing. Allele origin: germline.
Comment: Variant summary: CWC27 c.495G>A (p.Glu165Glu) alters a conserved nucleotide located close to a canonical splice site and therefore could affect mRNA splicing, leading to a significantly altered protein sequence. Several computational tools predict a significant impact on normal splicing: Four predict the variant abolishes a 5' splicing donor site. Functional studies reveal that the variant results in inclusion of the intron 5 generating a frameshift mutation (Xu_2017). The variant was absent in 231814 control chromosomes (gnomAD). c.495G>A has been reported in the literature in individuals affected with clinical features of CWC27-related conditions (Xu_2017). These data indicate that the variant is likely to be associated with disease. The following publication have been ascertained in the context of this evaluation (PMID: 28285769). ClinVar contains an entry for this variant (Variation ID: 426071). Based on the evidence outlined above, the variant was classified as pathogenic.

Labcorp Genetics (formerly Invitae), Labcorp
Classification: Pathogenic. Last evaluated: 2022-09-07. Review status: criteria provided, single submitter. Criteria: Invitae Variant Classification Sherloc (09022015). Collection method: clinical testing. Allele origin: germline.
Comment: For these reasons, this variant has been classified as Pathogenic. Variants that disrupt the consensus splice site are a relatively common cause of aberrant splicing (PMID: 17576681, 9536098). Studies have shown that this variant results in inclusion of intron 5 and introduces a premature termination codon (PMID: 28285769). The resulting mRNA is expected to undergo nonsense-mediated decay. ClinVar contains an entry for this variant (Variation ID: 426071). This variant has been observed in individual(s) with retinitis pigmentosa with or without skeletal abnormalities (PMID: 28285769; Invitae). In at least one individual the data is consistent with being in trans (on the opposite chromosome) from a pathogenic variant. It has also been observed to segregate with disease in related individuals. This variant is present in population databases (no rsID available, gnomAD no frequency). This sequence change affects codon 165 of the CWC27 mRNA. It is a 'silent' change, meaning that it does not change the encoded amino acid sequence of the CWC27 protein. RNA analysis indicates that this variant induces altered splicing and may result in an absent or disrupted protein product.

OMIM
Classification: Pathogenic for RETINITIS PIGMENTOSA WITH SKELETAL ANOMALIES. Last evaluated: 2017-05-11. Review status: no assertion criteria provided. Collection method: literature only. Allele origin: germline. Not counted in ClinVar's aggregate classification.

Literature cited by the submitters: PubMed 28285769 (cited by 3 submitters); PubMed 17576681 (cited by Labcorp Genetics (formerly Invitae), Labcorp); PubMed 9536098 (cited by Labcorp Genetics (formerly Invitae), Labcorp); PubMed 10420199 (cited by OMIM).

NM_005869.4(CWC27):c.495G>A (p.Glu165=)

Gene: CWC27 (CWC27 spliceosome associated cyclophilin; plus strand). Cytogenetic location: 5q12.3.
Variant type: single nucleotide variant.
Coding change: c.495G>A on transcript NM_005869.4 (MANE Select); coding-DNA position 495, G replaced by A.
Protein change: p.Glu165=; no amino-acid change (glutamic acid 165 retained).
Molecular consequence: synonymous variant.
Genome position (GRCh38, 1-based): chr5:64,785,579, G>A. VCF-style: chr5-64785579-G-A. GRCh37 (hg19) VCF-style: chr5-64081406-G-A.
Other names: 495G-A; c.495G>A, p.Glu165= (NM_001297645.2, NM_001318000.2, NM_001364478.1 and 1 more transcripts).
Identifiers: ClinVar variation 426071 (VCV000426071.7), dbSNP rs1085307446, ClinGen allele CA444474629.